The following is an entry in ClinVar:

NM_001375834.1(WIPF1):c.403T>G (p.Ser135Ala)

Gene: WIPF1 (WAS/WASL interacting protein family member 1; minus strand). Cytogenetic location: 2q31.1.
Variant type: single nucleotide variant.
Coding change: c.403T>G on transcript NM_001375834.1 (MANE Select); coding-DNA position 403, T replaced by G.
Protein change: p.Ser135Ala; replaces serine 135 with alanine.
Molecular consequence: missense variant. On other transcripts: intron variant (1).
Genome position (GRCh38, 1-based): chr2:174,572,402, A>C on the plus strand (T>G on the coding strand, the complement: WIPF1 is on the minus strand). VCF-style: chr2-174572402-A-C. GRCh37 (hg19) VCF-style: chr2-175437130-A-C.
Other names: c.403T>G, p.Ser135Ala (NM_001077269.1, NM_001375832.1, NM_001375833.1 and 5 more transcripts); c.182-157T>G (NM_001375839.1); short protein forms S135A.
Identifiers: ClinVar variation 1899402 (VCV001899402.2), dbSNP rs950666697, ClinGen allele CA60843949.
Genomic context (GRCh38, chr2:174,572,402, plus strand): 5'-GAGAAGGCACAGGAAACCTCCCTGGGCCACTTGGGGGTGAAAAGGGTTTCGCAGATGTGG[A>C]TCTTCCTCCCGGTGGCAACAATGGTGGTCGGCTTCCTCCAGAATCTGAAGAACAGGAAAA-3'
Protein context (NP_001362763.1, residues 125-145): RPPLLPPGGR[Ser135Ala]TSAKPFSPPS

ClinVar aggregate classification (germline): Uncertain significance (1 of 4 stars; one submission).

Conditions:
Wiskott-Aldrich syndrome 2 (WAS2). Also called: WIPF1 DEFICIENCY. Identifiers: Orphanet 906, MedGen C3281001, MONDO:0013779, OMIM 614493.

Allele frequency attached by ClinVar (database versions not stated): gnomAD exomes below 0.00001.
gnomAD v4.1: 5 of 1,614,084 alleles (0.00031%); highest among the groups gnomAD compares: Middle Eastern, 0.017%; no homozygotes.

Submission:

Labcorp Genetics (formerly Invitae), Labcorp
Classification: Uncertain significance for Wiskott-Aldrich syndrome 2. Last evaluated: 2022-03-19. Review status: criteria provided, single submitter. Criteria: Invitae Variant Classification Sherloc (09022015). Collection method: clinical testing. Allele origin: germline.
Comment: This sequence change replaces serine, which is neutral and polar, with alanine, which is neutral and non-polar, at codon 135 of the WIPF1 protein (p.Ser135Ala). This variant is not present in population databases (gnomAD no frequency). This variant has not been reported in the literature in individuals affected with WIPF1-related conditions. Algorithms developed to predict the effect of missense changes on protein structure and function output the following: SIFT: "Not Available"; PolyPhen-2: "Benign"; Align-GVGD: "Not Available". The alanine amino acid residue is found in multiple mammalian species, which suggests that this missense change does not adversely affect protein function. In summary, the available evidence is currently insufficient to determine the role of this variant in disease. Therefore, it has been classified as a Variant of Uncertain Significance.